The following is an entry in ClinVar:

ClinVar aggregate classification (germline): Uncertain significance (1 of 4 stars; one submission).

Allele frequency attached by ClinVar (database versions not stated): TOPMed 0.00002; gnomAD exomes 0.00005; ExAC 0.00006; ESP Exome Variant Server 0.00008; gnomAD 0.00011.
gnomAD v4.1: 91 of 1,613,622 alleles (0.0056%); highest among the groups gnomAD compares: Non-Finnish European, 0.0038%; no homozygotes.

Submission:

Labcorp Genetics (formerly Invitae), Labcorp
Classification: Uncertain significance. Last evaluated: 2023-04-29. Review status: criteria provided, single submitter. Criteria: Invitae Variant Classification Sherloc (09022015). Collection method: clinical testing. Allele origin: germline.
Comment: This sequence change replaces lysine, which is basic and polar, with arginine, which is basic and polar, at codon 396 of the ZNF143 protein (p.Lys396Arg). This variant is present in population databases (rs370205734, gnomAD 0.05%). This variant has not been reported in the literature in individuals affected with ZNF143-related conditions. An algorithm developed to predict the effect of missense changes on protein structure and function (PolyPhen-2) suggests that this variant is likely to be disruptive. In summary, the available evidence is currently insufficient to determine the role of this variant in disease. Therefore, it has been classified as a Variant of Uncertain Significance.

NM_003442.6(ZNF143):c.1187A>G (p.Lys396Arg)

Gene: ZNF143 (zinc finger protein 143; plus strand). Cytogenetic location: 11p15.4.
Variant type: single nucleotide variant.
Coding change: c.1187A>G on transcript NM_003442.6 (MANE Select); coding-DNA position 1187, A replaced by G.
Protein change: p.Lys396Arg; replaces lysine 396 with arginine.
Molecular consequence: missense variant.
Genome position (GRCh38, 1-based): chr11:9,508,658, A>G. VCF-style: chr11-9508658-A-G. GRCh37 (hg19) VCF-style: chr11-9530205-A-G.
Other names: c.1184A>G, p.Lys395Arg (NM_001282656.2); c.1094A>G, p.Lys365Arg (NM_001282657.2); short protein forms K365R, K395R, K396R.
Identifiers: ClinVar variation 3017830 (VCV003017830.3), dbSNP rs370205734, ClinGen allele CA5879581.